The following is an entry in ClinVar:

NM_001160372.4(TRAPPC9):c.2811-21985G>A

Genes: C8orf17 (chromosome 8 putative open reading frame 17; plus strand), TRAPPC9 (trafficking protein particle complex subunit 9; minus strand). Cytogenetic location: 8q24.3.
Variant type: single nucleotide variant.
Coding change: c.2811-21985G>A on transcript NM_001160372.4 (MANE Select); 21985 bases into the intron before coding-DNA position 2811, G replaced by A.
Molecular consequence: intron variant. On other transcripts: non-coding transcript variant (1).
Genome position (GRCh38, 1-based): chr8:139,932,285, C>T on the plus strand (G>A on the coding strand, the complement: TRAPPC9 is on the minus strand). VCF-style: chr8-139932285-C-T. GRCh37 (hg19) VCF-style: chr8-140944529-C-T.
Other names: c.2667-21985G>A (NM_001374684.1); c.2700-21985G>A (NM_001374683.1); c.2832-21985G>A (NM_001374682.1); c.2811-21985G>A (NM_031466.8); c.2784-21985G>A (NM_001321646.2).
Identifiers: ClinVar variation 3025063 (VCV003025063.22), dbSNP rs529413873, ClinGen allele CA4892923.

ClinVar aggregate classification (germline): Likely benign (1 of 4 stars; one submission).

Allele frequency attached by ClinVar (database versions not stated): gnomAD exomes 0.00047; ExAC 0.00190; 1000 Genomes Project 30x 0.00203; 1000 Genomes Project 0.00220.
gnomAD v4.1: 658 of 457,454 alleles (0.14%); highest among the groups gnomAD compares: African/African-American, 1.1%; 3 homozygotes.

Submission:

CeGaT Center for Human Genetics Tuebingen
Classification: Likely benign. Last evaluated: 2026-08-01. Review status: criteria provided, single submitter. Criteria: CeGaT Center For Human Genetics Tuebingen Variant Classification Criteria Version 2. Collection method: clinical testing. Allele origin: germline. Affected: yes. Observed: 3 variant alleles.
Comment: C8orf17: BS1